The following is an entry in ClinVar:

NM_004415.4(DSP):c.7355A>C (p.Gln2452Pro)

Gene: DSP (desmoplakin; plus strand). Cytogenetic location: 6p24.3.
Variant type: single nucleotide variant.
Coding change: c.7355A>C on transcript NM_004415.4 (MANE Select); coding-DNA position 7355, A replaced by C.
Protein change: p.Gln2452Pro; replaces glutamine 2452 with proline.
Molecular consequence: missense variant.
Genome position (GRCh38, 1-based): chr6:7,584,617, A>C. VCF-style: chr6-7584617-A-C. GRCh37 (hg19) VCF-style: chr6-7584850-A-C.
Other names: c.5558A>C, p.Gln1853Pro (NM_001008844.3); c.6026A>C, p.Gln2009Pro (NM_001319034.2); short protein forms Q1853P, Q2452P, Q2009P.
Identifiers: ClinVar variation 919381 (VCV000919381.4), dbSNP rs1759567864, ClinGen allele CA362692819.

ClinVar aggregate classification (germline): Uncertain significance (1 of 4 stars; one submission).

Conditions:
Cardiomyopathy (CMYO). Also called: Cardiomyopathies. Identifiers: Orphanet 167848, MedGen C0878544, MONDO:0004994, HP:0001638. Inheritance: Various modes of inheritance.

Allele frequency attached by ClinVar (database versions not stated): gnomAD exomes below 0.00001.
gnomAD v4.1: 1 of 1,614,118 alleles (0.000062%); highest among the groups gnomAD compares: Non-Finnish European, 0.000085%; no homozygotes.

Submission:

Color Diagnostics, LLC DBA Color Health
Classification: Uncertain significance for Cardiomyopathy. Last evaluated: 2024-03-06. Review status: criteria provided, single submitter. Criteria: ACMG Guidelines, 2015. Collection method: clinical testing. Allele origin: germline.
Comment: This missense variant replaces glutamine with proline at codon 2452 of the DSP protein. Computational prediction tool suggests that this variant may not impact protein structure and function (internally defined REVEL score threshold <=0.5, PMID: 27666373). Splice site prediction tools suggest that this variant may not impact RNA splicing. To our knowledge, functional studies have not been performed for this variant. This variant has not been reported in individuals affected with cardiovascular disorders in the literature. This variant has not been identified in the general population by the Genome Aggregation Database (gnomAD). The available evidence is insufficient to determine the role of this variant in disease conclusively. Therefore, this variant is classified as a Variant of Uncertain Significance.